The following is an entry in ClinVar:

NM_005267.5(GJA8):c.1045A>G (p.Lys349Glu)

Gene: GJA8 (gap junction protein alpha 8; plus strand). Cytogenetic location: 1q21.2.
Variant type: single nucleotide variant.
Coding change: c.1045A>G on transcript NM_005267.5 (MANE Select); coding-DNA position 1045, A replaced by G.
Protein change: p.Lys349Glu; replaces lysine 349 with glutamic acid.
Molecular consequence: missense variant.
Genome position (GRCh38, 1-based): chr1:147,909,000, A>G. VCF-style: chr1-147909000-A-G. GRCh37 (hg19) VCF-style: chr1-147381127-A-G.
Other names: short protein forms K349E.
Identifiers: ClinVar variation 874252 (VCV000874252.5), dbSNP rs782505421, ClinGen allele CA1066070.
Genomic context (GRCh38, chr1:147,909,000, plus strand): 5'-CAAGAAGTGGAGGGCGAGGGGCCGCCTGCAGAGGAGGGAGCCGAACCCGAGGTGGGAGAG[A>G]AGAAGGAGGAAGCAGAGAGGCTGACCACGGAGGAGCAGGAGAAGGTGGCCGTGCCAGAGG-3'
Protein context (NP_005258.2, residues 339-359): EEGAEPEVGE[Lys349Glu]KEEAERLTTE

ClinVar aggregate classification (germline): Conflicting classifications of pathogenicity. Review status: criteria provided, conflicting classifications (1 of 4 stars). 2 submissions from 2 submitters: Uncertain significance (1); Benign (1). Last evaluated 2023-10-31.

Conditions:
Cataract 1 multiple types. Also called: CATARACT, DUFFY-LINKED; CATARACT 1, POSTERIOR SUBCAPSULAR, WITH MICROCORNEA; CATARACT 1, STELLATE NUCLEAR, WITH MICROCORNEA; CATARACT 1, NUCLEAR PROGRESSIVE; CATARACT 1 WITH MICROCORNEA; CATARACT 1, MULTIPLE TYPES, WITH OR WITHOUT MICROCORNEA. Identifiers: Orphanet 1377, MedGen C1861828, MONDO:0007285, OMIM 116200.
Inborn genetic diseases. Identifiers: MedGen C0950123, MeSH D030342.

Allele frequency attached by ClinVar (database versions not stated): gnomAD exomes 0.00001 and 0.00007; ExAC 0.00004; gnomAD 0.00005 and 0.00006; TOPMed 0.00009.
gnomAD v4.1: 34 of 1,593,812 alleles (0.0021%); highest among the groups gnomAD compares: Admixed American, 0.027%; no homozygotes.

Submissions (2):

Ambry Genetics
Classification: Uncertain significance for Inborn genetic diseases. Last evaluated: 2023-10-31. Review status: criteria provided, single submitter. Criteria: Ambry Variant Classification Scheme 2023. Collection method: clinical testing. Allele origin: germline.

Illumina Laboratory Services, Illumina
Classification: Benign for Cataract 1 multiple types. Last evaluated: 2018-01-12. Review status: criteria provided, single submitter. Criteria: ICSL Variant Classification Criteria 13 December 2019. Collection method: clinical testing. Allele origin: germline.
Comment: This variant was observed in the ICSL laboratory as part of a predisposition screen in an ostensibly healthy population. It had not been previously curated by ICSL or reported in the Human Gene Mutation Database (HGMD: prior to June 1st, 2018), and was therefore a candidate for classification through an automated scoring system. Utilizing variant allele frequency, disease prevalence and penetrance estimates, and inheritance mode, an automated score was calculated to assess if this variant is too frequent to cause the disease. Based on the score and internal cut-off values, a variant classified as benign is not then subjected to further curation. The score for this variant resulted in a classification of benign for this disease.